The following is an entry in ClinVar:

NC_000021.8:g.(?_46927455)_(46927527_?)del

Gene: COL18A1 (collagen type XVIII alpha 1 chain; plus strand). Cytogenetic location: 21q22.3.
Variant type: Deletion.
Identifiers: ClinVar variation 2427188 (VCV002427188.3).

ClinVar aggregate classification (germline): Uncertain significance (1 of 4 stars; one submission).

Submission:

Labcorp Genetics (formerly Invitae), Labcorp
Classification: Uncertain significance. Last evaluated: 2021-12-29. Review status: criteria provided, single submitter. Criteria: Invitae Variant Classification Sherloc (09022015). Collection method: clinical testing. Allele origin: germline.
Comment: This variant has not been reported in the literature in individuals affected with COL18A1-related conditions. This variant is a gross deletion of the genomic region encompassing exon(s) 38 of the COL18A1 gene. This variant would be expected to be in-frame, preserving the integrity of the reading frame. Experimental studies and prediction algorithms are not available or were not evaluated, and the functional significance of this variant is currently unknown. In summary, the available evidence is currently insufficient to determine the role of this variant in disease. Therefore, it has been classified as a Variant of Uncertain Significance.